The following is an entry in ClinVar:

ClinVar aggregate classification (germline): Uncertain significance (1 of 4 stars; one submission).

Submission:

Labcorp Genetics (formerly Invitae), Labcorp
Classification: Uncertain significance. Last evaluated: 2023-06-29. Review status: criteria provided, single submitter. Criteria: Invitae Variant Classification Sherloc (09022015). Collection method: clinical testing. Allele origin: germline.
Comment: This sequence change replaces glycine, which is neutral and non-polar, with arginine, which is basic and polar, at codon 551 of the CSF2RB protein (p.Gly551Arg). This variant is not present in population databases (gnomAD no frequency). This variant has not been reported in the literature in individuals affected with CSF2RB-related conditions. Advanced modeling of protein sequence and biophysical properties (such as structural, functional, and spatial information, amino acid conservation, physicochemical variation, residue mobility, and thermodynamic stability) performed at Invitae indicates that this missense variant is not expected to disrupt CSF2RB protein function. In summary, the available evidence is currently insufficient to determine the role of this variant in disease. Therefore, it has been classified as a Variant of Uncertain Significance.

NM_000395.3(CSF2RB):c.1651G>A (p.Gly551Arg)

Gene: CSF2RB (colony stimulating factor 2 receptor subunit beta; plus strand). Cytogenetic location: 22q12.3.
Variant type: single nucleotide variant.
Coding change: c.1651G>A on transcript NM_000395.3 (MANE Select); coding-DNA position 1651, G replaced by A.
Protein change: p.Gly551Arg; replaces glycine 551 with arginine.
Molecular consequence: missense variant.
Genome position (GRCh38, 1-based): chr22:36,937,459, G>A. VCF-style: chr22-36937459-G-A. GRCh37 (hg19) VCF-style: chr22-37333501-G-A.
Other names: c.1669G>A, p.Gly557Arg (NM_001410827.1); short protein forms G551R, G557R.
Identifiers: ClinVar variation 2966979 (VCV002966979.3), dbSNP rs2518008007, ClinGen allele CA411409906.
Genomic context (GRCh38, chr22:36,937,459, plus strand): 5'-GACAGCGAGGTGTCACCTCTCACCATAGAGGACCCCAAGCATGTCTGTGATCCACCATCT[G>A]GGCCTGACACGACTCCAGCTGCCTCAGATCTACCCACAGAGCAGCCCCCCAGCCCCCAGC-3'
Protein context (NP_000386.1, residues 541-561): DPKHVCDPPS[Gly551Arg]PDTTPAASDL